The following is an entry in ClinVar:

ClinVar aggregate classification (germline): Pathogenic/Likely pathogenic. Review status: criteria provided, multiple submitters, no conflicts (2 of 4 stars). 7 submissions from 7 submitters: Pathogenic (5); Likely pathogenic (1). 1 of the submissions does not count toward it. Last evaluated 2025-06-09.

Conditions:
Nemaline myopathy 2 (NEM2). Also called: Nemaline myopathy 2, autosomal recessive. Identifiers: MedGen C1850569, MONDO:0009725, OMIM 256030.
Arthrogryposis multiplex congenita 6. Identifiers: MedGen C5543431, MONDO:0030281, OMIM 619334.
Nemaline myopathy. Also called: Myopathies, Nemaline. Identifiers: Orphanet 607, MedGen C0206157, MONDO:0018958.

Allele frequency attached by ClinVar (database versions not stated): gnomAD exomes 0.00001.

Submissions (7):

Natera, Inc.
Classification: Pathogenic for Nemaline myopathy type 2. Last evaluated: 2025-06-09. Review status: criteria provided, single submitter. Criteria: Natera Variant Classification Schema (03/2026). Collection method: clinical testing. Allele origin: germline.
Comment: The c.8031_8041delAAATAAACGAG variant in NEB is a frameshift variant predicted to shift the reading frame beginning at codon 2677 and leads to a stop codon 7 codons downstream. This variant is expected to result in nonsense mediated decay, truncation, or a dysfunctional protein product. This variant is rare in the general population with a frequency below the threshold expected for the associated phenotype(s). This variant has been observed in one or more individuals affected with the associated recessive disease, as either homozygous or compound heterozygous with a second variant (PMID: 25205138). Given the available evidence, this variant is classified as Pathogenic.

Fulgent Genetics
Classification: Likely pathogenic for Nemaline myopathy 2; Arthrogryposis multiplex congenita 6. Last evaluated: 2024-01-16. Review status: criteria provided, single submitter. Criteria: ACMG Guidelines, 2015. Collection method: clinical testing. Allele origin: germline.

Labcorp Genetics (formerly Invitae), Labcorp
Classification: Pathogenic for Nemaline myopathy 2. Last evaluated: 2023-10-29. Review status: criteria provided, single submitter. Criteria: Invitae Variant Classification Sherloc (09022015). Collection method: clinical testing. Allele origin: germline.
Comment: This sequence change creates a premature translational stop signal (p.Lys2677Asnfs*7) in the NEB gene. It is expected to result in an absent or disrupted protein product. Loss-of-function variants in NEB are known to be pathogenic (PMID: 25205138). This variant is not present in population databases (gnomAD no frequency). This premature translational stop signal has been observed in individual(s) with nemaline myopathy (PMID: 16917880, 25205138). This variant is also known as g.89878_89888delAAATAAACGAG, Lys2677fs. ClinVar contains an entry for this variant (Variation ID: 95138). For these reasons, this variant has been classified as Pathogenic.

Baylor Genetics
Classification: Pathogenic for Arthrogryposis multiplex congenita 6. Last evaluated: 2023-06-12. Review status: criteria provided, single submitter. Criteria: ACMG Guidelines, 2015. Collection method: clinical testing. Allele origin: unknown.

Women's Health and Genetics/Laboratory Corporation of America, LabCorp
Classification: Pathogenic for Nemaline myopathy. Last evaluated: 2022-04-29. Review status: criteria provided, single submitter. Criteria: LabCorp Variant Classification Summary - May 2015. Collection method: clinical testing. Allele origin: germline.
Comment: Variant summary: NEB c.8031_8041del11 (p.Lys2677AsnfsX7) results in a premature termination codon, predicted to cause a truncation of the encoded protein or absence of the protein due to nonsense mediated decay, which are commonly known mechanisms for disease. Truncations downstream of this position have been classified as pathogenic by our laboratory. The variant was absent in 249094 control chromosomes (gnomAD). c.8031_8041del11 has been reported in the literature in at least three compound heterozygous individuals affected with Nemaline Myopathy (Lehtokari_2006, Lehtokari_2014). To our knowledge, no experimental evidence demonstrating an impact on protein function has been reported. Three ClinVar submitters have assessed the variant since 2014: one classified the variant as likely pathogenic and two as pathogenic. Based on the evidence outlined above, the variant was classified as pathogenic.

Eurofins Ntd Llc (ga)
Classification: Pathogenic. Last evaluated: 2017-08-18. Review status: criteria provided, single submitter. Criteria: EGL Classification Definitions 2015. Collection method: clinical testing. Allele origin: germline. Observed: 1 variant allele, 1 heterozygote.

Counsyl
Classification: Likely pathogenic for Nemaline myopathy 2. Last evaluated: 2015-11-17. Review status: no assertion criteria provided. Collection method: clinical testing. Allele origin: unknown. Not counted in ClinVar's aggregate classification.

Literature cited by the submitters: PubMed 25205138 (cited by 4 submitters); PubMed 16917880 (cited by 3 submitters).

NM_001164508.2(NEB):c.8031_8041del (p.Lys2677fs)

Gene: NEB (nebulin; minus strand). Cytogenetic location: 2q23.3.
Variant type: Deletion.
Coding change: c.8031_8041del on transcript NM_001164508.2 (MANE Select); coding-DNA positions 8031 to 8041, 11 bases deleted (AAATAAACGAG).
Protein change: p.Lys2677fs; shifts the reading frame from lysine 2677.
Molecular consequence: frameshift variant.
Genome position (GRCh38, 1-based): chr2:151,643,269-151,643,279, CTCGTTTATTT deleted on the plus strand (AAATAAACGAG on the coding strand, the reverse complement: NEB is on the minus strand). VCF-style (leftmost placement, unchanged base first): chr2-151643268-GCTCGTTTATTT-G. GRCh37 (hg19) VCF-style: chr2-152499782-GCTCGTTTATTT-G.
Other names: c.8031_8041del, p.Lys2677fs (NM_001164507.2, NM_001271208.2, NM_004543.5); c.8031_8041del11 (NM_001271208.1); c.8031_8041delAAATAAACGAG (NM_001271208.1); short protein forms K2677fs.
Identifiers: ClinVar variation 95138 (VCV000095138.18), dbSNP rs398124172, ClinGen allele CA222768.